The following is an entry in ClinVar:

ClinVar aggregate classification (germline): Likely benign. Review status: criteria provided, multiple submitters, no conflicts (2 of 4 stars). 2 submissions from 2 submitters: Likely benign (2). Last evaluated 2024-05-14.

Conditions:
Arrhythmogenic right ventricular cardiomyopathy (ARVD). Also called: Cardiomyopathy, ARVC; Arrhythmogenic right ventricular dysplasia; Arrhythmogenic cardiomyopathy; Arrhythmogenic Right Ventricular Cardiomyopathy (ARVC). Identifiers: Orphanet 247, MedGen C0349788, MeSH D019571, MONDO:0016587. Disease mechanism: loss of function. Inheritance: Various modes of inheritance.
Arrhythmogenic right ventricular dysplasia 9 (ARVD9). Also called: Arrhythmogenic Right Ventricular Dysplasia/Cardiomyopathy 9; ARRHYTHMOGENIC RIGHT VENTRICULAR DYSPLASIA, FAMILIAL, 9. Identifiers: MedGen C1836906, MONDO:0012180, OMIM 609040.

Allele frequency attached by ClinVar (database versions not stated): TOPMed below 0.00001.

Submissions (2):

All of Us Research Program, National Institutes of Health
Classification: Likely benign for Arrhythmogenic right ventricular cardiomyopathy. Last evaluated: 2024-05-14. Review status: criteria provided, single submitter. Criteria: ACMG Guidelines, 2015. Collection method: clinical testing. Allele origin: germline. Inheritance: Autosomal dominant inheritance. Observed: 1 variant allele, 1 heterozygote.
Comment: This study involves interpretation of variants in research participants for the purpose of population health screening. Participant phenotype was not available at the time of variant classification. Additional details can be found in publication PMID: 35346344, PMCID: PMC8962531

Labcorp Genetics (formerly Invitae), Labcorp
Classification: Likely benign for Arrhythmogenic right ventricular dysplasia 9. Last evaluated: 2021-10-19. Review status: criteria provided, single submitter. Criteria: Invitae Variant Classification Sherloc (09022015). Collection method: clinical testing. Allele origin: germline.

NM_001005242.3(PKP2):c.224-10T>C

Gene: PKP2 (plakophilin 2; minus strand). Cytogenetic location: 12p11.21.
Variant type: single nucleotide variant.
Coding change: c.224-10T>C on transcript NM_001005242.3 (MANE Select); 10 bases into the intron before coding-DNA position 224, T replaced by C.
Molecular consequence: intron variant.
Genome position (GRCh38, 1-based): chr12:32,879,042, A>G on the plus strand (T>C on the coding strand, the complement: PKP2 is on the minus strand). VCF-style: chr12-32879042-A-G. GRCh37 (hg19) VCF-style: chr12-33031976-A-G.
Other names: c.224-10T>C (NM_004572.4).
Identifiers: ClinVar variation 1529578 (VCV001529578.9), dbSNP rs1956962712, ClinGen allele CA2026352646.